The following is an entry in ClinVar:

NM_001130969.3(NSMF):c.1315C>T (p.His439Tyr)

Genes: NSMF (NMDA receptor synaptonuclear signaling and neuronal migration factor; minus strand), LOC126860797 (MED14-independent group 3 enhancer GRCh37_chr9:140343721-140344920; plus strand). Cytogenetic location: 9q34.3.
Variant type: single nucleotide variant.
Coding change: c.1315C>T on transcript NM_001130969.3 (MANE Select); coding-DNA position 1315, C replaced by T.
Protein change: p.His439Tyr; replaces histidine 439 with tyrosine.
Molecular consequence: missense variant.
Genome position (GRCh38, 1-based): chr9:137,450,177, G>A on the plus strand (C>T on the coding strand, the complement: NSMF is on the minus strand). VCF-style: chr9-137450177-G-A. GRCh37 (hg19) VCF-style: chr9-140344629-G-A.
Other names: c.1246C>T, p.His416Tyr (NM_001130970.2); c.1240C>T, p.His414Tyr (NM_001130971.2); c.1225C>T, p.His409Tyr (NM_001178064.2); c.1309C>T, p.His437Tyr (NM_015537.5, NM_182780.1); short protein forms H416Y, H414Y, H437Y, H439Y, H409Y.
Identifiers: ClinVar variation 2182417 (VCV002182417.4), dbSNP rs771334994, ClinGen allele CA5370080.

ClinVar aggregate classification (germline): Uncertain significance (1 of 4 stars; one submission).

Allele frequency attached by ClinVar (database versions not stated): gnomAD 0.00001; TOPMed 0.00001; ExAC 0.00002.
gnomAD v4.1: 13 of 1,613,130 alleles (0.00081%); highest among the groups gnomAD compares: Middle Eastern, 0.016%; no homozygotes.

Submission:

Labcorp Genetics (formerly Invitae), Labcorp
Classification: Uncertain significance. Last evaluated: 2022-05-27. Review status: criteria provided, single submitter. Criteria: Invitae Variant Classification Sherloc (09022015). Collection method: clinical testing. Allele origin: germline.
Comment: In summary, the available evidence is currently insufficient to determine the role of this variant in disease. Therefore, it has been classified as a Variant of Uncertain Significance. Algorithms developed to predict the effect of missense changes on protein structure and function are either unavailable or do not agree on the potential impact of this missense change (SIFT: "Not Available"; PolyPhen-2: "Benign"; Align-GVGD: "Not Available"). This variant has not been reported in the literature in individuals affected with NSMF-related conditions. This variant is present in population databases (rs771334994, gnomAD 0.01%). This sequence change replaces histidine, which is basic and polar, with tyrosine, which is neutral and polar, at codon 437 of the NSMF protein (p.His437Tyr).